The following is an entry in ClinVar:

ClinVar aggregate classification (germline): Pathogenic (1 of 4 stars; one submission).

Submission:

Labcorp Genetics (formerly Invitae), Labcorp
Classification: Pathogenic. Last evaluated: 2023-07-16. Review status: criteria provided, single submitter. Criteria: Invitae Variant Classification Sherloc (09022015). Collection method: clinical testing. Allele origin: germline.
Comment: For these reasons, this variant has been classified as Pathogenic. This variant has not been reported in the literature in individuals affected with KCNQ5-related conditions. This variant is not present in population databases (gnomAD no frequency). This sequence change creates a premature translational stop signal (p.Ile214Metfs*52) in the KCNQ5 gene. It is expected to result in an absent or disrupted protein product. Loss-of-function variants in KCNQ5 are known to be pathogenic (PMID: 28669405, 35583973, 36088682).

Literature cited by the submitters: PubMed 28669405; PubMed 35583973; PubMed 36088682.

NM_019842.4(KCNQ5):c.642_645del (p.Ile214fs)

Gene: KCNQ5 (potassium voltage-gated channel subfamily Q member 5; plus strand). Cytogenetic location: 6q13.
Variant type: Deletion.
Coding change: c.642_645del on transcript NM_019842.4 (MANE Select); coding-DNA positions 642 to 645, 4 bases deleted (AGCA; older notation c.642_645delAGCA).
Protein change: p.Ile214fs; shifts the reading frame from isoleucine 214.
Molecular consequence: frameshift variant.
Genome position (GRCh38, 1-based): chr6:73,077,347-73,077,350, AGCA deleted. VCF-style (leftmost placement, unchanged base first): chr6-73077346-TAGCA-T. GRCh37 (hg19) VCF-style: chr6-73787069-TAGCA-T.
Other names: c.642_645del, p.Ile214fs (NM_001160133.2, NM_001160134.2, NM_001160130.2 and 1 more transcripts); short protein forms I214fs.
Identifiers: ClinVar variation 2793965 (VCV002793965.3), dbSNP rs2533591376, ClinGen allele CA2578667904.
Genomic context (GRCh38, chr6:73,077,346, plus strand): 5'-GTGCTAACTGTGGCTATTTCGACCTGTTTCTTTCAGATACCATTGTTCTTATCGCTTCAA[TAGCA>T]GTTGTTTCTGCAAAAACTCAGGGTAATATTTTTGCCACGTCTGCACTCAGAAGTCTCCGT-3'